The following is an entry in ClinVar:

ClinVar aggregate classification (germline): Uncertain significance. Review status: criteria provided, multiple submitters, no conflicts (2 of 4 stars). 4 submissions from 4 submitters: Uncertain significance (4). Last evaluated 2024-08-01.

Conditions:
Fraser syndrome 1 (FRASRS1). Also called: CRYPTOPHTHALMOS WITH OTHER MALFORMATIONS. Identifiers: Orphanet 2052, MedGen C4551480, MONDO:0054737, OMIM 219000.

Allele frequency attached by ClinVar (database versions not stated): ExAC 0.00004; gnomAD 0.00004 and 0.00005; gnomAD exomes 0.00004 and 0.00011; TOPMed 0.00005; ESP Exome Variant Server 0.00008.
gnomAD v4.1: 67 of 1,613,410 alleles (0.0042%); highest among the groups gnomAD compares: Admixed American, 0.045%; no homozygotes.

Submissions (4):

GeneDx
Classification: Uncertain significance. Last evaluated: 2024-08-01. Review status: criteria provided, single submitter. Criteria: GeneDx Variant Classification Process June 2021. Collection method: clinical testing. Allele origin: germline. Affected: yes.
Comment: In silico analysis indicates that this missense variant does not alter protein structure/function; Has not been previously published as pathogenic or benign to our knowledge

Fulgent Genetics
Classification: Uncertain significance for Fraser syndrome 1. Last evaluated: 2024-02-14. Review status: criteria provided, single submitter. Criteria: ACMG Guidelines, 2015. Collection method: clinical testing. Allele origin: germline.

Department of Pathology and Laboratory Medicine, Sinai Health System
Classification: Uncertain significance for Fraser syndrome 1. Last evaluated: 2020-06-16. Review status: criteria provided, single submitter. Criteria: ACMG Guidelines, 2015. Collection method: research. Allele origin: germline.

Illumina Laboratory Services, Illumina
Classification: Uncertain significance for Fraser syndrome 1. Last evaluated: 2018-01-13. Review status: criteria provided, single submitter. Criteria: ICSL Variant Classification Criteria 13 December 2019. Collection method: clinical testing. Allele origin: germline.

NM_025074.7(FRAS1):c.371G>A (p.Arg124Gln)

Gene: FRAS1 (Fraser extracellular matrix complex subunit 1; plus strand). Cytogenetic location: 4q21.21.
Variant type: single nucleotide variant.
Coding change: c.371G>A on transcript NM_025074.7 (MANE Select); coding-DNA position 371, G replaced by A.
Protein change: p.Arg124Gln; replaces arginine 124 with glutamine.
Molecular consequence: missense variant.
Genome position (GRCh38, 1-based): chr4:78,252,453, G>A. VCF-style: chr4-78252453-G-A. GRCh37 (hg19) VCF-style: chr4-79173607-G-A.
Other names: c.371G>A, p.Arg124Gln (NM_001166133.2); short protein forms R124Q.
Identifiers: ClinVar variation 905592 (VCV000905592.7), dbSNP rs200764508, ClinGen allele CA2975921.